The following is an entry in ClinVar:

NM_007325.5(GRIA3):c.2T>C (p.Met1Thr)

Gene: GRIA3 (glutamate ionotropic receptor AMPA type subunit 3; plus strand). Cytogenetic location: Xq25.
Variant type: single nucleotide variant.
Coding change: c.2T>C on transcript NM_007325.5 (MANE Select); coding-DNA position 2, T replaced by C.
Protein change: p.Met1Thr; changes the start codon (methionine 1).
Molecular consequence: missense variant, initiator codon variant.
Genome position (GRCh38, 1-based): chrX:123,184,537, T>C. VCF-style: chrX-123184537-T-C. GRCh37 (hg19) VCF-style: chrX-122318389-T-C.
Other names: c.2T>C, p.Met1Thr (NM_000828.5, NM_001256743.2); short protein forms M1T.
Identifiers: ClinVar variation 624438 (VCV000624438.53), dbSNP rs752728469, ClinGen allele CA10506800.

ClinVar aggregate classification (germline): Conflicting classifications of pathogenicity. Review status: criteria provided, conflicting classifications (1 of 4 stars). 5 submissions from 5 submitters: Likely pathogenic (1); Uncertain significance (4). Last evaluated 2025-09-08.

Conditions:
Inborn genetic diseases. Identifiers: MedGen C0950123, MeSH D030342.

Allele frequency attached by ClinVar (database versions not stated): gnomAD exomes 0.00001 and 0.00003; ExAC 0.00003.

Submissions (5):

Labcorp Genetics (formerly Invitae), Labcorp
Classification: Uncertain significance. Last evaluated: 2025-09-08. Review status: criteria provided, single submitter. Criteria: Invitae Variant Classification Sherloc (09022015). Collection method: clinical testing. Allele origin: germline.
Comment: This sequence change affects the initiator codon of the GRIA3 mRNA. This change may impact translation initiation or efficiency. The next in-frame methionine is located at codon 7. This variant is present in population databases (rs752728469, gnomAD 0.005%). This variant has not been reported in the literature in individuals affected with GRIA3-related conditions. ClinVar contains an entry for this variant (Variation ID: 624438). Experimental studies and prediction algorithms are not available or were not evaluated, and the functional significance of this variant is currently unknown. In summary, the available evidence is currently insufficient to determine the role of this variant in disease. Therefore, it has been classified as a Variant of Uncertain Significance.

GeneDx
Classification: Uncertain significance. Last evaluated: 2022-07-22. Review status: criteria provided, single submitter. Criteria: GeneDx Variant Classification Process June 2021. Collection method: clinical testing. Allele origin: germline. Affected: yes.
Comment: Initiation codon variant in a gene for which loss-of-function is not a known mechanism of disease; Has not been previously published as pathogenic or benign to our knowledge; This variant is associated with the following publications: (PMID: 34426522, 28152038)

CeGaT Center for Human Genetics Tuebingen
Classification: Uncertain significance. Last evaluated: 2018-08-01. Review status: criteria provided, single submitter. Criteria: CeGaT Center For Human Genetics Tuebingen Variant Classification Criteria Version 2. Collection method: clinical testing. Allele origin: germline. Affected: yes. Observed: 1 variant allele.

Ambry Genetics
Classification: Likely pathogenic for Inborn genetic diseases. Last evaluated: 2014-07-07. Review status: criteria provided, single submitter. Criteria: Ambry Variant Classification Scheme 2023. Collection method: clinical testing. Allele origin: germline.
Comment: The p.M1? pathogenic mutation (also known as c.2T>C), located in coding exon 1 of the GRIA3 gene, results from a T to C substitution at nucleotide position 2. This alters the methionine residue at the native initiation codon. This variant was not reported in population based cohorts in the following databases: Database of Single Nucleotide Polymorphisms (dbSNP), NHLBI Exome Sequencing Project (ESP), and 1000 Genomes Project. In the ESP, this variant was not observed in 6503 samples with coverage at this position. Sequence variations that modify the initiation codon (ATG) are expected to cause a shift in the mRNA reading frame and possibly absence of protein translation. However, this amino acid position is not well conserved and a number of species do not have the initiation codon at this position. Furthermore, another ATG that is highly conserved among species is located down stream. The ATG sequence, located six amino acids down stream from the human reference sequence, is purported to function as the start site for rat GluR3 based on cDNA studies (Rampersad, V et al. Biochim Biophys Acta 1994;1219:563-6). In humans, iontropic flutamate receptors (iGluR) are purported to contain a short signal peptide (between 14-33 amino acids long) at the N-terminus that targets the protein to the cell membrane and mislocalization may disuprt neuronal function (Traynelis SF, Pharmacol. Rev. 2010 Sep; 62(3):405-96). It is anticipated that the p.M1? alteration, would result in the shortening of the signal peptide and lead to mislocalization of the hGluR3 protein; however direct evidence on this alteration's affect on transport to the cell membrane is unavailable. Based on the majority of available evidence to date, this variant is likely to be pathogenic.

Breakthrough Genomics
Classification: Uncertain significance. Review status: criteria provided, single submitter. Criteria: ACMG Guidelines, 2015. Collection method: not provided. Allele origin: germline. Inheritance: X-linked recessive inheritance. Affected: yes.

Literature cited by the submitters: PubMed 20716669 (cited by Ambry Genetics).